The following is an entry in ClinVar:

ClinVar aggregate classification (germline): Conflicting classifications of pathogenicity. Review status: criteria provided, conflicting classifications (1 of 4 stars). 6 submissions from 6 submitters: Uncertain significance (1); Benign (1); Likely benign (3). 1 of the submissions does not count toward it. Last evaluated 2026-01-26.

Conditions:
DNMT1-related disorder. Also called: DNMT1-related condition. Identifiers: MedGen CN381527.
Hereditary sensory neuropathy-deafness-dementia syndrome. Also called: NEUROPATHY, HEREDITARY SENSORY, WITH HEARING LOSS AND DEMENTIA; Hereditary Sensory and Autonomic Neuropathy Type 1E (HSAN1E); HSN IE; Hereditary sensory neuropathy type IE. Identifiers: Orphanet 456318, MedGen C3279885, MONDO:0013584, OMIM 614116.

Allele frequency attached by ClinVar (database versions not stated): gnomAD 0.00014; ESP Exome Variant Server 0.00015; gnomAD exomes 0.00016 and 0.00039; ExAC 0.00017; TOPMed 0.00017.
gnomAD v4.1: 590 of 1,613,658 alleles (0.037%); highest among the groups gnomAD compares: Non-Finnish European, 0.048%; no homozygotes.

Submissions (6):

Labcorp Genetics (formerly Invitae), Labcorp
Classification: Likely benign for Hereditary sensory neuropathy-deafness-dementia syndrome. Last evaluated: 2026-01-26. Review status: criteria provided, single submitter. Criteria: Invitae Variant Classification Sherloc (09022015). Collection method: clinical testing. Allele origin: germline.

Mayo Clinic Laboratories, Mayo Clinic
Classification: Likely benign. Last evaluated: 2025-07-29. Review status: criteria provided, single submitter. Criteria: ACMG Guidelines, 2015. Collection method: clinical testing. Allele origin: germline. Observed: 2 variant alleles.

Blueprint Genetics
Classification: Uncertain significance. Last evaluated: 2024-10-16. Review status: criteria provided, single submitter. Criteria: ACMG Guidelines, 2015. Collection method: clinical testing. Allele origin: germline.

GeneDx
Classification: Likely benign. Last evaluated: 2020-09-20. Review status: criteria provided, single submitter. Criteria: GeneDx Variant Classification Process June 2021. Collection method: clinical testing. Allele origin: germline. Affected: yes.

Illumina Laboratory Services, Illumina
Classification: Benign for Hereditary sensory neuropathy-deafness-dementia syndrome. Last evaluated: 2018-01-13. Review status: criteria provided, single submitter. Criteria: ICSL Variant Classification Criteria 13 December 2019. Collection method: clinical testing. Allele origin: germline.
Comment: This variant was observed in the ICSL laboratory as part of a predisposition screen in an ostensibly healthy population. It had not been previously curated by ICSL or reported in the Human Gene Mutation Database (HGMD: prior to June 1st, 2018), and was therefore a candidate for classification through an automated scoring system. Utilizing variant allele frequency, disease prevalence and penetrance estimates, and inheritance mode, an automated score was calculated to assess if this variant is too frequent to cause the disease. Based on the score and internal cut-off values, a variant classified as benign is not then subjected to further curation. The score for this variant resulted in a classification of benign for this disease.

PreventionGenetics, part of Exact Sciences
Classification: Likely benign for DNMT1-related condition. Last evaluated: 2019-06-06. Review status: no assertion criteria provided. Collection method: clinical testing. Allele origin: germline. Not counted in ClinVar's aggregate classification.
Comment: This variant is classified as likely benign based on ACMG/AMP sequence variant interpretation guidelines (Richards et al. 2015 PMID: 25741868, with internal and published modifications).

NM_001130823.3(DNMT1):c.2020-10C>T

Gene: DNMT1 (DNA methyltransferase 1; minus strand). Cytogenetic location: 19p13.2.
Variant type: single nucleotide variant.
Coding change: c.2020-10C>T on transcript NM_001130823.3 (MANE Select); 10 bases into the intron before coding-DNA position 2020, C replaced by T.
Molecular consequence: intron variant.
Genome position (GRCh38, 1-based): chr19:10,151,857, G>A on the plus strand (C>T on the coding strand, the complement: DNMT1 is on the minus strand). VCF-style: chr19-10151857-G-A. GRCh37 (hg19) VCF-style: chr19-10262533-G-A.
Other names: p.?; c.2020-10C>T (LRG_362t1, NM_001130823.2); c.1657-10C>T (NM_001318731.2); c.1972-10C>T (NM_001379.4, NM_001318730.2).
Identifiers: ClinVar variation 327905 (VCV000327905.58), dbSNP rs369373339, ClinGen allele CA9188136.